The following is an entry in ClinVar:

NM_033380.3(COL4A5):c.4930T>G (p.Cys1644Gly)

Gene: COL4A5 (collagen type IV alpha 5 chain; plus strand). Cytogenetic location: Xq22.3.
Variant type: single nucleotide variant.
Coding change: c.4930T>G on transcript NM_033380.3 (MANE Select); coding-DNA position 4930, T replaced by G.
Protein change: p.Cys1644Gly; replaces cysteine 1644 with glycine.
Molecular consequence: missense variant.
Genome position (GRCh38, 1-based): chrX:108,695,375, T>G. VCF-style: chrX-108695375-T-G. GRCh37 (hg19) VCF-style: chrX-107938605-T-G.
Other names: c.4912T>G, p.Cys1638Gly (NM_000495.5); short protein forms C1638G, C1644G.
Identifiers: ClinVar variation 4532146 (VCV004532146.1).

ClinVar aggregate classification (germline): Pathogenic (1 of 4 stars; one submission).

Conditions:
X-linked Alport syndrome (ATS1). Also called: NEPHROPATHY AND DEAFNESS, X-LINKED; COL4A5-Related Nephropathy. Identifiers: Orphanet 63, Orphanet 88917, MedGen C4746986, MONDO:0010520, OMIM 301050.

Submission:

Victorian Clinical Genetics Services, Murdoch Childrens Research Institute
Classification: Pathogenic for X-linked Alport syndrome. Last evaluated: 2024-12-13. Review status: criteria provided, single submitter. Criteria: ACMG Guidelines, 2015. Collection method: clinical testing. Allele origin: germline. Affected: yes.
Comment: This variant is classified as Pathogenic. Evidence in support of pathogenic classification: Variant is absent from gnomAD (v2, v3 and v4); Other missense variants comparable to the one identified in this case have strong previous evidence for pathogenicity. Alternate changes to tyrosine, serine and tryptophan have been identified in individuals with Alport syndrome (PMIDs: 17277342, 26809805, 29270492). The change to tyrosine has also been classified as pathogenic by diagnostic laboratories (ClinVar). Another missense variant, p.(Cys1644Arg), has been classified as a VUS by a diagnostic laboratory in ClinVar; Variant is located in the well-established functional C4 domain (DECIPHER, PMID: 33854215); Missense variant consistently predicted to be damaging by in silico tool or highly conserved with a major amino acid change. Additional information: Variant is predicted to result in a missense amino acid change from cysteine to glycine; This variant is heterozygous; This gene is associated with X-linked dominant disease. Males are typically more severely affected than females (PMID: 19965530); This variant has no previous evidence of pathogenicity; No published segregation evidence has been identified for this variant; No published functional evidence has been identified for this variant; Dominant negative and loss of function are known mechanisms of disease in this gene and are associated with X-linked Alport syndrome 1 (MIM#301050). Dominant negative is caused mostly by glycine substitutions that affect the conformation of the protein, and loss of function can be caused by either protein truncating or missense variants (PMIDs: 24046192, 12028435); Variants in this gene are known to have variable expressivity. There is intrafamilial variability among affected carrier females, possibly due to variable X-inactivation (PMID: 14514738); Inheritance information for this variant is not currently available in this individual.

Literature cited by the submitters: PubMed 24046192; PubMed 17277342; PubMed 33854215; PubMed 12028435; PubMed 14514738; PubMed 19965530; PubMed 29270492; PubMed 26809805.